The following is an entry in ClinVar:

ClinVar aggregate classification (germline): Uncertain significance (1 of 4 stars; one submission).

Conditions:
Cardiomyopathy (CMYO). Also called: Cardiomyopathies. Identifiers: Orphanet 167848, MedGen C0878544, MONDO:0004994, HP:0001638. Inheritance: Various modes of inheritance.

Submission:

Color Diagnostics, LLC DBA Color Health
Classification: Uncertain significance for Cardiomyopathy. Last evaluated: 2020-11-04. Review status: criteria provided, single submitter. Criteria: ACMG Guidelines, 2015. Collection method: clinical testing. Allele origin: germline.
Comment: This variant causes a G to A nucleotide substitution at the +5 position of intron 9 of the DSC2 gene. Splice prediction tools are inconclusive regarding the impact of this variant on RNA splicing. To our knowledge, functional studies have not been reported for this variant. This variant has not been reported in individuals affected with cardiovascular disorders in the literature. This variant has not been identified in the general population by the Genome Aggregation Database (gnomAD). The available evidence is insufficient to determine the role of this variant in disease conclusively. Therefore, this variant is classified as a Variant of Uncertain Significance.

NM_024422.6(DSC2):c.1263+5G>A

Gene: DSC2 (desmocollin 2; minus strand). Cytogenetic location: 18q12.1.
Variant type: single nucleotide variant.
Coding change: c.1263+5G>A on transcript NM_024422.6 (MANE Select); 5 bases into the intron after coding-DNA position 1263, G replaced by A.
Molecular consequence: intron variant.
Genome position (GRCh38, 1-based): chr18:31,082,233, C>T on the plus strand (G>A on the coding strand, the complement: DSC2 is on the minus strand). VCF-style: chr18-31082233-C-T. GRCh37 (hg19) VCF-style: chr18-28662199-C-T.
Other names: c.1263+5G>A (NM_004949.5).
Identifiers: ClinVar variation 1170973 (VCV001170973.2), dbSNP rs1329734211, ClinGen allele CA645600486.